The following is an entry in ClinVar:

ClinVar aggregate classification (germline): Uncertain significance (1 of 4 stars; one submission).

Conditions:
Hereditary cancer-predisposing syndrome. Also called: Neoplastic Syndromes, Hereditary; Tumor predisposition; Hereditary Cancer Syndrome; Hereditary neoplastic syndrome. Identifiers: Orphanet 140162, MedGen C0027672, MeSH D009386, MONDO:0015356.

Submission:

Ambry Genetics
Classification: Uncertain significance for Hereditary cancer-predisposing syndrome. Last evaluated: 2024-10-14. Review status: criteria provided, single submitter. Criteria: Ambry Variant Classification Scheme 2023. Collection method: clinical testing. Allele origin: germline.
Comment: The p.K599E variant (also known as c.1795A>G), located in coding exon 12 of the RAD50 gene, results from an A to G substitution at nucleotide position 1795. The lysine at codon 599 is replaced by glutamic acid, an amino acid with similar properties. This amino acid position is conserved. In addition, the in silico prediction for this alteration is inconclusive. Based on the available evidence, the clinical significance of this variant remains unclear.

NM_005732.4(RAD50):c.1795A>G (p.Lys599Glu)

Gene: RAD50 (RAD50 double strand break repair protein; plus strand). Cytogenetic location: 5q31.1.
Variant type: single nucleotide variant.
Coding change: c.1795A>G on transcript NM_005732.4 (MANE Select); coding-DNA position 1795, A replaced by G.
Protein change: p.Lys599Glu; replaces lysine 599 with glutamic acid.
Molecular consequence: missense variant.
Genome position (GRCh38, 1-based): chr5:132,594,870, A>G. VCF-style: chr5-132594870-A-G. GRCh37 (hg19) VCF-style: chr5-131930562-A-G.
Other names: short protein forms K599E.
Identifiers: ClinVar variation 3429512 (VCV003429512.1).